The following is an entry in ClinVar:

NM_000465.4(BARD1):c.244G>T (p.Gly82Ter)

Gene: BARD1 (BRCA1 associated RING domain 1; minus strand). Cytogenetic location: 2q35.
Variant type: single nucleotide variant.
Coding change: c.244G>T on transcript NM_000465.4 (MANE Select); coding-DNA position 244, G replaced by T.
Protein change: p.Gly82Ter; replaces glycine 82 with a stop codon.
Molecular consequence: nonsense. On other transcripts: non-coding transcript variant (1), intron variant (2).
Genome position (GRCh38, 1-based): chr2:214,792,417, C>A on the plus strand (G>T on the coding strand, the complement: BARD1 is on the minus strand). VCF-style: chr2-214792417-C-A. GRCh37 (hg19) VCF-style: chr2-215657141-C-A.
Other names: c.187G>T, p.Gly63Ter (NM_001282543.2); c.244G>T, p.Gly82Ter (NM_001282549.2); c.158+16995G>T (NM_001282548.2); c.215+4644G>T (NM_001282545.2); short protein forms G82*, G63*.
Identifiers: ClinVar variation 860560 (VCV000860560.10), dbSNP rs1559437226, ClinGen allele CA350461241.

ClinVar aggregate classification (germline): Pathogenic. Review status: criteria provided, multiple submitters, no conflicts (2 of 4 stars). 2 submissions from 2 submitters: Pathogenic (2). Last evaluated 2023-05-18.

Conditions:
Familial cancer of breast. Also called: hereditary breast carcinoma; Hereditary breast cancer; BREAST CANCER, FAMILIAL. Identifiers: Orphanet 227535, MedGen C0346153, MONDO:0016419, OMIM 114480. Disease mechanism: loss of function.

Submissions (2):

Myriad Genetics, Inc.
Classification: Pathogenic for Familial cancer of breast. Last evaluated: 2023-05-18. Review status: criteria provided, single submitter. Criteria: Myriad Autosomal Dominant, Autosomal Recessive and X-Linked Classification Criteria (2023). Collection method: clinical testing. Allele origin: unknown.
Comment: This variant is considered pathogenic. This variant creates a termination codon and is predicted to result in premature protein truncation.

Labcorp Genetics (formerly Invitae), Labcorp
Classification: Pathogenic for Familial cancer of breast. Last evaluated: 2019-04-18. Review status: criteria provided, single submitter. Criteria: Invitae Variant Classification Sherloc (09022015). Collection method: clinical testing. Allele origin: germline.
Comment: This sequence change creates a premature translational stop signal (p.Gly82*) in the BARD1 gene. It is expected to result in an absent or disrupted protein product. This variant is not present in population databases (ExAC no frequency). This variant has not been reported in the literature in individuals with BARD1-related conditions. Loss-of-function variants in BARD1 are known to be pathogenic (PMID: 20077502, 21344236). For these reasons, this variant has been classified as Pathogenic.

Literature cited by the submitters: PubMed 20077502 (cited by Labcorp Genetics (formerly Invitae), Labcorp); PubMed 21344236 (cited by Labcorp Genetics (formerly Invitae), Labcorp).